The following is an entry in ClinVar:

NM_001281740.3(FHOD3):c.2903C>T (p.Ala968Val)

Gene: FHOD3 (formin homology 2 domain containing 3; plus strand). Cytogenetic location: 18q12.2.
Variant type: single nucleotide variant.
Coding change: c.2903C>T on transcript NM_001281740.3 (MANE Select); coding-DNA position 2903, C replaced by T.
Protein change: p.Ala968Val; replaces alanine 968 with valine.
Molecular consequence: missense variant.
Genome position (GRCh38, 1-based): chr18:36,718,201, C>T. VCF-style: chr18-36718201-C-T. GRCh37 (hg19) VCF-style: chr18-34298164-C-T.
Other names: c.2903C>T (NM_001281740.2); c.2327C>T, p.Ala776Val (NM_001281739.3); c.2378C>T, p.Ala793Val (NM_025135.5); short protein forms A968V, A793V, A776V.
Identifiers: ClinVar variation 3095143 (VCV003095143.3), dbSNP rs372680469, ClinGen allele CA8941977.
Genomic context (GRCh38, chr18:36,718,201, plus strand): 5'-ACCTGGGGAGAGGTTCCATCTCCCCTGATGCTGAGCCCAATGACAAGGTCCCAGAAACAG[C>T]GCCGGTGCAGCCGAAGACAGAGTCTGATTACATCTGGGACCAGCTCATGGCCAATCCAAG-3'
Protein context (NP_001268669.1, residues 958-978): AEPNDKVPET[Ala968Val]PVQPKTESDY

ClinVar aggregate classification (germline): Conflicting classifications of pathogenicity. Review status: criteria provided, conflicting classifications (1 of 4 stars). 3 submissions from 3 submitters: Uncertain significance (1); Likely benign (2). Last evaluated 2026-09-23.

Conditions:
Inborn genetic diseases. Identifiers: MedGen C0950123, MeSH D030342.
FHOD3-related disorder. Also called: FHOD3-related condition.

Allele frequency attached by ClinVar (database versions not stated): gnomAD 0.00002; TOPMed 0.00002; gnomAD exomes 0.00003; ExAC 0.00007; ESP Exome Variant Server 0.00008; 1000 Genomes Project 0.00020; 1000 Genomes Project 30x 0.00031.
gnomAD v4.1: 42 of 1,613,820 alleles (0.0026%); highest among the groups gnomAD compares: Admixed American, 0.037%; no homozygotes.

Submissions (3):

PreventionGenetics, part of Exact Sciences
Classification: Likely benign for FHOD3-related condition. Last evaluated: 2026-09-23. Review status: criteria provided, single submitter. Criteria: ACMG Guidelines, 2015. Collection method: clinical testing. Allele origin: germline.
Comment: This variant is classified as likely benign based on ACMG/AMP sequence variant interpretation guidelines (Richards et al. 2015 PMID: 25741868, with internal and published modifications).

Blueprint Genetics
Classification: Likely benign. Last evaluated: 2024-04-03. Review status: criteria provided, single submitter. Criteria: ACMG Guidelines, 2015. Collection method: clinical testing. Allele origin: germline.

Ambry Genetics
Classification: Uncertain significance for Inborn genetic diseases. Last evaluated: 2024-01-23. Review status: criteria provided, single submitter. Criteria: Ambry Variant Classification Scheme 2023. Collection method: clinical testing. Allele origin: germline.